The following is an entry in ClinVar:

ClinVar aggregate classification (germline): Uncertain significance. Review status: criteria provided, multiple submitters, no conflicts (2 of 4 stars). 3 submissions from 3 submitters: Uncertain significance (3). Last evaluated 2024-09-27.

Conditions:
Inborn genetic diseases. Identifiers: MedGen C0950123, MeSH D030342.
Autosomal recessive mendelian susceptibility to mycobacterial diseases due to complete RORgamma receptor deficiency. Also called: Immunodeficiency 42. Identifiers: Orphanet 477857, MedGen C5567647, MONDO:0014710, OMIM 616622.

Allele frequency attached by ClinVar (database versions not stated): gnomAD 0.00001; gnomAD exomes 0.00001; TOPMed 0.00001; ExAC 0.00002.

Submissions (3):

Labcorp Genetics (formerly Invitae), Labcorp
Classification: Uncertain significance for Autosomal recessive mendelian susceptibility to mycobacterial diseases due to complete RORgamma receptor deficiency. Last evaluated: 2024-09-27. Review status: criteria provided, single submitter. Criteria: Invitae Variant Classification Sherloc (09022015). Collection method: clinical testing. Allele origin: germline.
Comment: This sequence change replaces threonine, which is neutral and polar, with asparagine, which is neutral and polar, at codon 136 of the RORC protein (p.Thr136Asn). This variant is present in population databases (rs747949898, gnomAD 0.007%). This variant has not been reported in the literature in individuals affected with RORC-related conditions. ClinVar contains an entry for this variant (Variation ID: 951984). An algorithm developed to predict the effect of missense changes on protein structure and function (PolyPhen-2) suggests that this variant¬†is likely to be tolerated. In summary, the available evidence is currently insufficient to determine the role of this variant in disease. Therefore, it has been classified as a Variant of Uncertain Significance.

Ambry Genetics
Classification: Uncertain significance for Inborn genetic diseases. Last evaluated: 2024-08-07. Review status: criteria provided, single submitter. Criteria: Ambry Variant Classification Scheme 2023. Collection method: clinical testing. Allele origin: germline.

Blueprint Genetics
Classification: Uncertain significance. Last evaluated: 2024-06-13. Review status: criteria provided, single submitter. Criteria: ACMG Guidelines, 2015. Collection method: clinical testing. Allele origin: germline.

NM_005060.4(RORC):c.407C>A (p.Thr136Asn)

Gene: RORC (RAR related orphan receptor C; minus strand). Cytogenetic location: 1q21.3.
Variant type: single nucleotide variant.
Coding change: c.407C>A on transcript NM_005060.4 (MANE Select); coding-DNA position 407, C replaced by A.
Protein change: p.Thr136Asn; replaces threonine 136 with asparagine.
Molecular consequence: missense variant.
Genome position (GRCh38, 1-based): chr1:151,815,317, G>T on the plus strand (C>A on the coding strand, the complement: RORC is on the minus strand). VCF-style: chr1-151815317-G-T. GRCh37 (hg19) VCF-style: chr1-151787793-G-T.
Other names: c.344C>A, p.Thr115Asn (NM_001001523.2); short protein forms T115N, T136N.
Identifiers: ClinVar variation 951984 (VCV000951984.8), dbSNP rs747949898, ClinGen allele CA1095924.